The following is an entry in ClinVar:

NM_006915.3(RP2):c.611C>G (p.Thr204Ser)

Gene: RP2 (RP2 activator of ARL3 GTPase; plus strand). Cytogenetic location: Xp11.3.
Variant type: single nucleotide variant.
Coding change: c.611C>G on transcript NM_006915.3 (MANE Select); coding-DNA position 611, C replaced by G.
Protein change: p.Thr204Ser; replaces threonine 204 with serine.
Molecular consequence: missense variant.
Genome position (GRCh38, 1-based): chrX:46,853,984, C>G. VCF-style: chrX-46853984-C-G. GRCh37 (hg19) VCF-style: chrX-46713419-C-G.
Other names: short protein forms T204S.
Identifiers: ClinVar variation 4629411 (VCV004629411.2).

ClinVar aggregate classification (germline): Uncertain significance. Review status: criteria provided, multiple submitters, no conflicts (2 of 4 stars). 2 submissions from 2 submitters: Uncertain significance (2). Last evaluated 2026-01-15.

Conditions:
RP2-related disorder. Also called: RP2-related condition.
Inborn genetic diseases. Identifiers: MedGen C0950123, MeSH D030342.

Submissions (2):

PreventionGenetics, part of Exact Sciences
Classification: Uncertain significance for RP2-related condition. Last evaluated: 2026-01-15. Review status: criteria provided, single submitter. Criteria: ACMG Guidelines, 2015. Collection method: clinical testing. Allele origin: germline.
Comment: The RP2 c.611C>G variant is predicted to result in the amino acid substitution p.Thr204Ser. To our knowledge, this variant has not been reported in the literature. This variant is present in 0.0062% of alleles in individuals of European (Finnish) descent in gnomAD, including 6 hemizygotes in gnomAD v4.1.0. Although we suspect that this variant may be benign, at this time, the clinical significance of this variant is uncertain due to the absence of conclusive functional and genetic evidence.

Ambry Genetics
Classification: Uncertain significance for Inborn genetic diseases. Last evaluated: 2025-12-03. Review status: criteria provided, single submitter. Criteria: Ambry Variant Classification Scheme 2023. Collection method: clinical testing. Allele origin: germline.